The following is an entry in ClinVar:

NC_000002.11:g.(?_152483537)_(152487591_?)del

Gene: NEB (nebulin; minus strand). Cytogenetic location: 2q23.3.
Variant type: Deletion.
Identifiers: ClinVar variation 3247273 (VCV003247273.1).

ClinVar aggregate classification (germline): Likely pathogenic (1 of 4 stars; one submission).

Conditions:
Nemaline myopathy 2 (NEM2). Also called: Nemaline myopathy 2, autosomal recessive. Identifiers: MedGen C1850569, MONDO:0009725, OMIM 256030.

Submission:

Labcorp Genetics (formerly Invitae), Labcorp
Classification: Likely pathogenic for Nemaline myopathy 2. Last evaluated: 2022-10-24. Review status: criteria provided, single submitter. Criteria: Invitae Variant Classification Sherloc (09022015). Collection method: clinical testing. Allele origin: unknown.
Comment: In summary, the currently available evidence indicates that the variant is pathogenic, but additional data are needed to prove that conclusively. Therefore, this variant has been classified as Likely Pathogenic. This variant disrupts a region of the NEB protein in which other variant(s) (p.Leu3439Pro) have been observed in individuals with NEB-related conditions (Invitae). This suggests that this is a clinically significant region of the protein, and that variants that disrupt it are likely to be disease-causing. This variant has not been reported in the literature in individuals affected with NEB-related conditions. This variant results in the deletion of exons 67-69 and part of exon 70 (c.9618+66_10326delinsATTA) of the NEB gene. It is expected to disrupt RNA splicing. Variants that disrupt the donor or acceptor splice site typically lead to a loss of protein function (PMID: 16199547), and loss-of-function variants in NEB are known to be pathogenic (PMID: 25205138).

Literature cited by the submitters: PubMed 16199547; PubMed 25205138.